The following is an entry in ClinVar:

ClinVar aggregate classification (germline): Pathogenic. Review status: criteria provided, multiple submitters, no conflicts (2 of 4 stars). 2 submissions from 2 submitters: Pathogenic (2). Last evaluated 2024-02-19.

Conditions:
Bardet-Biedl syndrome (BBS). Identifiers: Orphanet 110, MedGen C0752166, MONDO:0015229.

Submissions (2):

Labcorp Genetics (formerly Invitae), Labcorp
Classification: Pathogenic for Bardet-Biedl syndrome. Last evaluated: 2024-02-19. Review status: criteria provided, single submitter. Criteria: Invitae Variant Classification Sherloc (09022015). Collection method: clinical testing. Allele origin: germline.
Comment: This sequence change creates a premature translational stop signal (p.Tyr652*) in the BBS10 gene. While this is not anticipated to result in nonsense mediated decay, it is expected to disrupt the last 72 amino acid(s) of the BBS10 protein. This variant is not present in population databases (gnomAD no frequency). This variant has not been reported in the literature in individuals affected with BBS10-related conditions. ClinVar contains an entry for this variant (Variation ID: 2581190). This variant disrupts a region of the BBS10 protein in which other variant(s) (p.Lys708Glufs*14) have been determined to be pathogenic (PMID: 29666954). This suggests that this is a clinically significant region of the protein, and that variants that disrupt it are likely to be disease-causing. For these reasons, this variant has been classified as Pathogenic.

Women's Health and Genetics/Laboratory Corporation of America, LabCorp
Classification: Pathogenic for Bardet-Biedl syndrome. Last evaluated: 2023-08-17. Review status: criteria provided, single submitter. Criteria: LabCorp Variant Classification Summary - May 2015. Collection method: clinical testing. Allele origin: germline.
Comment: Variant summary: BBS10 c.1956C>G (p.Tyr652X) results in a premature termination codon, predicted to cause a truncation of the encoded protein or absence of the protein. While it is not expected to undergo nonsense-mediated decay, it eliminates the last 71 amino acids from the encoded protein. Variants downstream of this position have been classified as pathogenic by our laboratory (p.Val707X, CV ID 406221) and in ClinVar (c.2044dup/p.Met682fs CV ID 1454610, c.2052del/ p.Lys684fs CV ID 952132). This suggests that this is a clinically significant region of the protein. The variant was absent in 251128 control chromosomes (gnomAD). To our knowledge, no occurrence of c.1956C>G in individuals affected with Bardet-Biedl Syndrome and no experimental evidence demonstrating its impact on protein function have been reported. No submitters have cited clinical-significance assessments for this variant to ClinVar after 2014. Based on the evidence outlined above, the variant was classified as Pathogenic.

Literature cited by the submitters: PubMed 29666954 (cited by Labcorp Genetics (formerly Invitae), Labcorp).

NM_024685.4(BBS10):c.1956C>G (p.Tyr652Ter)

Gene: BBS10 (Bardet-Biedl syndrome 10; minus strand). Cytogenetic location: 12q21.2.
Variant type: single nucleotide variant.
Coding change: c.1956C>G on transcript NM_024685.4 (MANE Select); coding-DNA position 1956, C replaced by G.
Protein change: p.Tyr652Ter; replaces tyrosine 652 with a stop codon.
Molecular consequence: nonsense.
Genome position (GRCh38, 1-based): chr12:76,346,029, G>C on the plus strand (C>G on the coding strand, the complement: BBS10 is on the minus strand). VCF-style: chr12-76346029-G-C. GRCh37 (hg19) VCF-style: chr12-76739809-G-C.
Other names: short protein forms Y652*.
Identifiers: ClinVar variation 2581190 (VCV002581190.3), dbSNP rs1951754581, ClinGen allele CA385808798.